The following is an entry in ClinVar:

NM_000207.3(INS):c.118T>C (p.Tyr40His)

Genes: INS (insulin; minus strand), INS-IGF2 (INS-IGF2 readthrough; minus strand). Cytogenetic location: 11p15.5.
Variant type: single nucleotide variant.
Coding change: c.118T>C on transcript NM_000207.3 (MANE Select); coding-DNA position 118, T replaced by C.
Protein change: p.Tyr40His; replaces tyrosine 40 with histidine.
Molecular consequence: missense variant. On other transcripts: non-coding transcript variant (1).
Genome position (GRCh38, 1-based): chr11:2,160,854, A>G on the plus strand (T>C on the coding strand, the complement: INS is on the minus strand). VCF-style: chr11-2160854-A-G. GRCh37 (hg19) VCF-style: chr11-2182084-A-G.
Other names: c.118T>C, p.Tyr40His (NM_001185097.2, NM_001185098.2, NM_001291897.2 and 1 more transcripts); short protein forms Y40H.
Identifiers: ClinVar variation 5007853 (VCV005007853.2).

ClinVar aggregate classification (germline): Uncertain significance (1 of 4 stars; one submission).

Conditions:
Diabetes mellitus, permanent neonatal 4. Also called: INS-Related Permanent Neonatal Diabetes Mellitus. Identifiers: MedGen C5394307, MONDO:0030089, OMIM 618858.
Type 1 diabetes mellitus 2. Identifiers: MedGen C1852092, MONDO:0007454, OMIM 125852.
Hyperproinsulinemia. Identifiers: MedGen C0342283, MONDO:0014535, OMIM 616214.
Maturity-onset diabetes of the young type 10. Identifiers: Orphanet 552, MedGen C3150617, MONDO:0013240, OMIM 613370.

Submission:

Juno Genomics, Hangzhou Juno Genomics, Inc
Classification: Uncertain significance for Type 1 diabetes mellitus 2; Diabetes mellitus, permanent neonatal 4; Hyperproinsulinemia; Maturity-onset diabetes of the young type 10. Review status: criteria provided, single submitter. Criteria: ACMG Guidelines, 2015. Collection method: clinical testing. Allele origin: germline.
Comment: Absent from controls (or at extremely low frequency if recessive) in Genome Aggregation Database.;Multiple lines of computational evidence support a deleterious effect on the gene or gene product.